The following is an entry in ClinVar:

ClinVar aggregate classification (germline): Uncertain significance (1 of 4 stars; one submission).

Conditions:
Hereditary cancer-predisposing syndrome. Also called: Neoplastic Syndromes, Hereditary; Hereditary neoplastic syndrome; Tumor predisposition; Hereditary Cancer Syndrome. Identifiers: Orphanet 140162, MedGen C0027672, MeSH D009386, MONDO:0015356.

Submission:

Ambry Genetics
Classification: Uncertain significance for Hereditary cancer-predisposing syndrome. Last evaluated: 2023-02-10. Review status: criteria provided, single submitter. Criteria: Ambry Variant Classification Scheme 2023. Collection method: clinical testing. Allele origin: germline.
Comment: The p.M369L variant (also known as c.1105A>C), located in coding exon 11 of the NF2 gene, results from an A to C substitution at nucleotide position 1105. The methionine at codon 369 is replaced by leucine, an amino acid with highly similar properties. This amino acid position is conserved. In addition, this alteration is predicted to be tolerated by in silico analysis. Since supporting evidence is limited at this time, the clinical significance of this alteration remains unclear.

NM_000268.4(NF2):c.1105A>C (p.Met369Leu)

Gene: NF2 (NF2, moesin-ezrin-radixin like (MERLIN) tumor suppressor; plus strand). Cytogenetic location: 22q12.2.
Variant type: single nucleotide variant.
Coding change: c.1105A>C on transcript NM_000268.4 (MANE Select); coding-DNA position 1105, A replaced by C.
Protein change: p.Met369Leu; replaces methionine 369 with leucine.
Molecular consequence: missense variant. On other transcripts: intron variant (1).
Genome position (GRCh38, 1-based): chr22:29,671,931, A>C. VCF-style: chr22-29671931-A-C. GRCh37 (hg19) VCF-style: chr22-30067920-A-C.
Other names: c.991A>C, p.Met331Leu (NM_001407053.1, NM_001407056.1); c.982A>C, p.Met328Leu (NM_001407054.1, NM_001407058.1, NM_181829.3); c.979A>C, p.Met327Leu (NM_001407055.1, NM_181828.3); c.970A>C, p.Met324Leu (NM_001407057.1, NM_001407059.1); c.1105A>C, p.Met369Leu (NM_001407060.1, NM_001407066.1, NM_016418.5 and 2 more transcripts); c.847A>C, p.Met283Leu (NM_001407062.1); c.856A>C, p.Met286Leu (NM_001407063.1, NM_001407064.1, NM_181830.3 and 1 more transcripts); c.571A>C, p.Met191Leu (NM_001407065.1); and 2 more; short protein forms M191L, M324L, M331L, M283L, M286L, M327L, M328L, M292L.
Identifiers: ClinVar variation 2453838 (VCV002453838.2), dbSNP rs1325119842, ClinGen allele CA411147158.